The following is an entry in ClinVar:

ClinVar aggregate classification (germline): Likely benign (1 of 4 stars; one submission).

Conditions:
PAK2-related disorder. Also called: PAK2-related condition.

Submission:

PreventionGenetics, part of Exact Sciences
Classification: Likely benign for PAK2-related condition. Last evaluated: 2024-10-03. Review status: criteria provided, single submitter. Criteria: ACMG Guidelines, 2015. Collection method: clinical testing. Allele origin: germline.
Comment: This variant is classified as likely benign based on ACMG/AMP sequence variant interpretation guidelines (Richards et al. 2015 PMID: 25741868, with internal and published modifications).

NM_002577.4(PAK2):c.379C>T (p.Leu127=)

Gene: PAK2 (p21 (RAC1) activated kinase 2; plus strand). Cytogenetic location: 3q29.
Variant type: single nucleotide variant.
Coding change: c.379C>T on transcript NM_002577.4 (MANE Select); coding-DNA position 379, C replaced by T.
Protein change: p.Leu127=; no amino-acid change (leucine 127 retained).
Molecular consequence: synonymous variant.
Genome position (GRCh38, 1-based): chr3:196,803,107, C>T. VCF-style: chr3-196803107-C-T. GRCh37 (hg19) VCF-style: chr3-196529978-C-T.
Identifiers: ClinVar variation 4981451 (VCV004981451.1).